The following is an entry in ClinVar:

ClinVar aggregate classification (germline): Uncertain significance (1 of 4 stars; one submission).

gnomAD v4.1: 2 of 1,583,906 alleles (0.00013%); highest among the groups gnomAD compares: African/African-American, 0.0027%; no homozygotes.

Submission:

GeneDx
Classification: Uncertain significance. Last evaluated: 2020-07-30. Review status: criteria provided, single submitter. Criteria: GeneDx Variant Classification Process June 2021. Collection method: clinical testing. Allele origin: germline. Affected: yes.
Comment: Not observed in large population cohorts (Lek et al., 2016); Missense variants in this gene are often considered pathogenic (Stenson et al., 2014); In silico analysis supports that this missense variant has a deleterious effect on protein structure/function; Has not been previously published as pathogenic or benign to our knowledge

NM_001330260.2(SCN8A):c.3364A>G (p.Ser1122Gly)

Gene: SCN8A (sodium voltage-gated channel alpha subunit 8; plus strand). Cytogenetic location: 12q13.13.
Variant type: single nucleotide variant.
Coding change: c.3364A>G on transcript NM_001330260.2 (MANE Select); coding-DNA position 3364, A replaced by G.
Protein change: p.Ser1122Gly; replaces serine 1122 with glycine.
Molecular consequence: missense variant.
Genome position (GRCh38, 1-based): chr12:51,769,327, A>G. VCF-style: chr12-51769327-A-G. GRCh37 (hg19) VCF-style: chr12-52163111-A-G.
Other names: c.3364A>G, p.Ser1122Gly (NM_001177984.3, NM_001369788.1, NM_014191.4); short protein forms S1122G.
Identifiers: ClinVar variation 1188379 (VCV001188379.2), dbSNP rs554826191, ClinGen allele CA384893991.